The following is an entry in ClinVar:

ClinVar aggregate classification (germline): Likely pathogenic (1 of 4 stars; one submission).

Submission:

GeneDx
Classification: Likely pathogenic. Last evaluated: 2017-06-19. Review status: criteria provided, single submitter. Criteria: GeneDx Variant Classification (06012015). Collection method: clinical testing. Allele origin: germline. Affected: yes.
Comment: A variant that is likely pathogenic has been identified in the KCNQ2 gene. The K255R variant has not been published as a pathogenic variant, nor has it been reported as a benign variant to our knowledge. The K255R variant is not observed in large population cohorts (Lek et al., 2016; 1000 Genomes Consortium et al., 2015; Exome Variant Server). This substitution occurs at a conserved position predicted to be within the pore forming loop between S5 and S6 transmemebrane segments, and multiple missense variants in nearby residues have been reported in the Human Gene Mutation Database in association with KCNQ2-related disorders (Stenson et al., 2014), supporting the functional importance of this region of the protein. In silico analysis predicts this variant is probably damaging to the protein structure/function. However, the K255R variant is a conservative amino acid substitution, which is not likely to impact secondary protein structure as these residues share similar properties. Therefore, this variant is likely pathogenic; however, the possibility that it is benign cannot be excluded.

NM_172107.4(KCNQ2):c.764A>G (p.Lys255Arg)

Gene: KCNQ2 (potassium voltage-gated channel subfamily Q member 2; minus strand). Cytogenetic location: 20q13.33.
Variant type: single nucleotide variant.
Coding change: c.764A>G on transcript NM_172107.4 (MANE Select); coding-DNA position 764, A replaced by G.
Protein change: p.Lys255Arg; replaces lysine 255 with arginine.
Molecular consequence: missense variant.
Genome position (GRCh38, 1-based): chr20:63,442,458, T>C on the plus strand (A>G on the coding strand, the complement: KCNQ2 is on the minus strand). VCF-style: chr20-63442458-T-C. GRCh37 (hg19) VCF-style: chr20-62073811-T-C.
Other names: c.764A>G, p.Lys255Arg (NM_004518.6, NM_172106.3, NM_172108.5 and 1 more transcripts); short protein forms K255R.
Identifiers: ClinVar variation 432713 (VCV000432713.2), dbSNP rs1555871862, ClinGen allele CA409653500.
Genomic context (GRCh38, chr20:63,442,458, plus strand): 5'-CAACTCACCAGGCCCCACCAGAGTGCATCCGCGTAGGTGTCAAAGTGGTCGTTCTCCCCC[T>C]TCTCTGCCAAGTACACCAGGAACGAGGCCAGGATGAGACAAAGGAAGCCGATGTACCAGG-3'
Protein context (NP_742105.1, residues 245-265): LASFLVYLAE[Lys255Arg]GENDHFDTYA